The following is an entry in ClinVar:

ClinVar aggregate classification (germline): Uncertain significance (1 of 4 stars; one submission).

Conditions:
Cohen syndrome (COH1). Also called: PEPPER SYNDROME; Cutis verticis gyrata, retinitis pigmentosa, and sensorineural deafness. Identifiers: Orphanet 193, MedGen C0265223, MONDO:0008999, OMIM 216550.

Allele frequency attached by ClinVar (database versions not stated): gnomAD exomes below 0.00001; ExAC 0.00001; gnomAD 0.00001; TOPMed 0.00001.
gnomAD v4.1: 3 of 1,611,922 alleles (0.00019%); highest among the groups gnomAD compares: African/African-American, 0.004%; no homozygotes.

Submission:

Labcorp Genetics (formerly Invitae), Labcorp
Classification: Uncertain significance for Cohen syndrome. Last evaluated: 2022-03-09. Review status: criteria provided, single submitter. Criteria: Invitae Variant Classification Sherloc (09022015). Collection method: clinical testing. Allele origin: germline.
Comment: This sequence change replaces glutamic acid, which is acidic and polar, with aspartic acid, which is acidic and polar, at codon 1569 of the VPS13B protein (p.Glu1569Asp). This variant is present in population databases (rs749708849, gnomAD 0.007%). This variant has not been reported in the literature in individuals affected with VPS13B-related conditions. Algorithms developed to predict the effect of missense changes on protein structure and function are either unavailable or do not agree on the potential impact of this missense change (SIFT: "Not Available"; PolyPhen-2: "Benign"; Align-GVGD: "Not Available"). Algorithms developed to predict the effect of sequence changes on RNA splicing suggest that this variant may disrupt the consensus splice site. In summary, the available evidence is currently insufficient to determine the role of this variant in disease. Therefore, it has been classified as a Variant of Uncertain Significance.

NM_152564.5(VPS13B):c.4632A>C (p.Glu1544Asp)

Gene: VPS13B (vacuolar protein sorting 13 homolog B; plus strand). Cytogenetic location: 8q22.2.
Variant type: single nucleotide variant.
Coding change: c.4632A>C on transcript NM_152564.5 (MANE Select); coding-DNA position 4632, A replaced by C.
Protein change: p.Glu1544Asp; replaces glutamic acid 1544 with aspartic acid.
Molecular consequence: missense variant.
Genome position (GRCh38, 1-based): chr8:99,511,511, A>C. VCF-style: chr8-99511511-A-C. GRCh37 (hg19) VCF-style: chr8-100523739-A-C.
Other names: c.4707A>C, p.Glu1569Asp (NM_017890.5); short protein forms E1544D, E1569D.
Identifiers: ClinVar variation 2418347 (VCV002418347.3), dbSNP rs749708849, ClinGen allele CA4823564.